The following is an entry in ClinVar:

NM_005535.3(IL12RB1):c.1149C>T (p.Cys383=)

Gene: IL12RB1 (interleukin 12 receptor subunit beta 1; minus strand). Cytogenetic location: 19p13.11.
Variant type: single nucleotide variant.
Coding change: c.1149C>T on transcript NM_005535.3 (MANE Select); coding-DNA position 1149, C replaced by T.
Protein change: p.Cys383=; no amino-acid change (cysteine 383 retained).
Molecular consequence: synonymous variant.
Genome position (GRCh38, 1-based): chr19:18,069,586, G>A on the plus strand (C>T on the coding strand, the complement: IL12RB1 is on the minus strand). VCF-style: chr19-18069586-G-A. GRCh37 (hg19) VCF-style: chr19-18180396-G-A.
Other names: c.1149C>T, p.Cys383= (NM_001290023.2); c.1269C>T, p.Cys423= (NM_001290024.2).
Identifiers: ClinVar variation 328586 (VCV000328586.15), dbSNP rs17882216, ClinGen allele CA9304948.
Genomic context (GRCh38, chr19:18,069,586, plus strand): 5'-AGGCCATTCCAGGCCATTACCCATTCCAGCCGGATCCGGGTCTTGCGGCGCAGTCAGGCT[G>A]CAGGTGGCAAGGCCCCCGTCCTGGCCCACAGGCTGCCATTCAATGCAATACGTCATGCTC-3'
Protein context (NP_005526.1, residues 373-393): PVGQDGGLAT[Cys383=]SLTAPQDPDP

ClinVar aggregate classification (germline): Benign. Review status: criteria provided, multiple submitters, no conflicts (2 of 4 stars). 2 submissions from 2 submitters: Benign (2). Last evaluated 2026-01-24.

Conditions:
Mendelian susceptibility to mycobacterial diseases due to complete IL12RB1 deficiency. Also called: IL12RB1 DEFICIENCY; Immunodeficiency 30. Identifiers: Orphanet 319552, MedGen C4013949, MONDO:0013955, OMIM 614891.

Allele frequency attached by ClinVar (database versions not stated): gnomAD exomes 0.00055 and 0.00134; ExAC 0.00160; 1000 Genomes Project 0.00339; 1000 Genomes Project 30x 0.00406; gnomAD 0.00530 and 0.00576; ESP Exome Variant Server 0.00582; TOPMed 0.00618.
gnomAD v4.1: 1,652 of 1,612,174 alleles (0.1%); highest among the groups gnomAD compares: African/African-American, 1.9%; 19 homozygotes.

Submissions (2):

Labcorp Genetics (formerly Invitae), Labcorp
Classification: Benign for Mendelian susceptibility to mycobacterial diseases due to complete IL12RB1 deficiency. Last evaluated: 2026-01-24. Review status: criteria provided, single submitter. Criteria: Invitae Variant Classification Sherloc (09022015). Collection method: clinical testing. Allele origin: germline.

Illumina Laboratory Services, Illumina
Classification: Benign for Mendelian susceptibility to mycobacterial diseases due to complete IL12RB1 deficiency. Last evaluated: 2018-01-13. Review status: criteria provided, single submitter. Criteria: ICSL Variant Classification Criteria 13 December 2019. Collection method: clinical testing. Allele origin: germline.
Comment: This variant was observed in the ICSL laboratory as part of a predisposition screen in an ostensibly healthy population. It had not been previously curated by ICSL or reported in the Human Gene Mutation Database (HGMD: prior to June 1st, 2018), and was therefore a candidate for classification through an automated scoring system. Utilizing variant allele frequency, disease prevalence and penetrance estimates, and inheritance mode, an automated score was calculated to assess if this variant is too frequent to cause the disease. Based on the score and internal cut-off values, a variant classified as benign is not then subjected to further curation. The score for this variant resulted in a classification of benign for this disease.